The following is an entry in ClinVar:

NM_001164508.2(NEB):c.5554A>G (p.Met1852Val)

Gene: NEB (nebulin; minus strand). Cytogenetic location: 2q23.3.
Variant type: single nucleotide variant.
Coding change: c.5554A>G on transcript NM_001164508.2 (MANE Select); coding-DNA position 5554, A replaced by G.
Protein change: p.Met1852Val; replaces methionine 1852 with valine.
Molecular consequence: missense variant.
Genome position (GRCh38, 1-based): chr2:151,663,757, T>C on the plus strand (A>G on the coding strand, the complement: NEB is on the minus strand). VCF-style: chr2-151663757-T-C. GRCh37 (hg19) VCF-style: chr2-152520271-T-C.
Other names: c.5554A>G, p.Met1852Val (NM_001164507.2, NM_001271208.2, NM_004543.5); short protein forms M1852V.
Identifiers: ClinVar variation 954260 (VCV000954260.13), dbSNP rs370172690, ClinGen allele CA1910341.
Genomic context (GRCh38, chr2:151,663,757, plus strand): 5'-GGGTGTGGAAGGAGGTCTTGGATTTCTCATATCCCTTCTTGTATTCCCGGTCTGACTGCA[T>C]CTTGGCCACTTGCATGAAGTGCACCAGCTTGGGGTCATCTTCCAGGCTCCGGAAGCCAAT-3'
Protein context (NP_001157980.2, residues 1842-1862): KLVHFMQVAK[Met1852Val]QSDREYKKGY

ClinVar aggregate classification (germline): Conflicting classifications of pathogenicity. Review status: criteria provided, conflicting classifications (1 of 4 stars). 3 submissions from 3 submitters: Uncertain significance (1); Benign (1). 1 of the submissions does not count toward it. Last evaluated 2026-01-11.

Conditions:
Nemaline myopathy 2 (NEM2). Also called: Nemaline myopathy 2, autosomal recessive. Identifiers: MedGen C1850569, MONDO:0009725, OMIM 256030.
NEB-related disorder. Also called: NEB-related condition; NEB-Related Disorders.

Allele frequency attached by ClinVar (database versions not stated): gnomAD exomes 0.00001 and 0.00004; ExAC 0.00007; ESP Exome Variant Server 0.00008; gnomAD 0.00010 and 0.00011; TOPMed 0.00014; 1000 Genomes Project 30x 0.00016; 1000 Genomes Project 0.00020.

Submissions (3):

Labcorp Genetics (formerly Invitae), Labcorp
Classification: Benign for Nemaline myopathy 2. Last evaluated: 2026-01-11. Review status: criteria provided, single submitter. Criteria: Invitae Variant Classification Sherloc (09022015). Collection method: clinical testing. Allele origin: germline.

PreventionGenetics, part of Exact Sciences
Classification: Uncertain significance for NEB-related condition. Last evaluated: 2022-10-06. Review status: criteria provided, single submitter. Criteria: ACMG Guidelines, 2015. Collection method: clinical testing. Allele origin: germline.
Comment: The NEB c.5554A>G variant is predicted to result in the amino acid substitution p.Met1852Val. To our knowledge, this variant has not been reported in the literature. This variant is reported in 0.045% of alleles in individuals of African descent in gnomAD. At this time, the clinical significance of this variant is uncertain due to the absence of conclusive functional and genetic evidence.

Natera, Inc.
Classification: Uncertain significance for Nemaline myopathy type 2. Last evaluated: 2020-11-11. Review status: no assertion criteria provided. Collection method: clinical testing. Allele origin: germline. Not counted in ClinVar's aggregate classification.